The following is an entry in ClinVar:

NM_000321.3(RB1):c.2560_2563del (p.Asn854fs)

Gene: RB1 (RB transcriptional corepressor 1; plus strand). Cytogenetic location: 13q14.2.
Variant type: Deletion.
Coding change: c.2560_2563del on transcript NM_000321.3 (MANE Select); coding-DNA positions 2560 to 2563, 4 bases deleted (AACA; older notation c.2560_2563delAACA).
Protein change: p.Asn854fs; shifts the reading frame from asparagine 854.
Molecular consequence: frameshift variant.
Genome position (GRCh38, 1-based): chr13:48,476,740-48,476,743, AACA deleted. VCF-style (leftmost placement, unchanged base first): chr13-48476739-TAACA-T. GRCh37 (hg19) VCF-style: chr13-49050875-TAACA-T.
Other names: c.2560_2563del, p.Asn854fs (NM_001407165.1); c.10_13del, p.Asn4fs (NM_001407168.1); short protein forms N4fs, N854fs.
Identifiers: ClinVar variation 3237112 (VCV003237112.1), dbSNP rs2542384326.

ClinVar aggregate classification (germline): Pathogenic (1 of 4 stars; one submission).

Conditions:
Retinoblastoma (RB1). Also called: RETINOBLASTOMA, SOMATIC. Identifiers: Orphanet 790, MedGen C0035335, MeSH D012175, MONDO:0008380, OMIM 180200, HP:0009919. Disease mechanism: loss of function. Inheritance: Both sporadic and heritable forms are tested..

Submission:

Genetic Diagnostic Laboratory, University of Pennsylvania School of Medicine
Classification: Pathogenic for Retinoblastoma. Last evaluated: 2024-05-20. Review status: criteria provided, single submitter. Criteria: ACMG Guidelines, 2015. Collection method: clinical testing. Allele origin: germline. Affected: yes. Observed: 1 variant allele.
Comment: Case and Pedigree Information: BILATERAL CASES:0, UNILATERAL CASES:1, TOTAL CASES:1, PEDIGREES:1. ACMG Codes Applied:PVS1, PM2